The following is an entry in ClinVar:

ClinVar aggregate classification (germline): Benign. Review status: criteria provided, multiple submitters, no conflicts (2 of 4 stars). 7 submissions from 3 submitters: Benign (7). Last evaluated 2021-12-05.

Conditions:
Developmental and epileptic encephalopathy 98. Identifiers: MedGen C5562017, MONDO:0030472, OMIM 619605.
Fetal akinesia, respiratory insufficiency, microcephaly, polymicrogyria, and dysmorphic facies. Identifiers: MedGen C5562015, MONDO:0859204, OMIM 619602.
Alternating hemiplegia of childhood 1 (AHC1). Identifiers: Orphanet 2131, MedGen C3549447, MONDO:0007087, OMIM 104290.
Migraine, familial hemiplegic, 2. Identifiers: Orphanet 569, MedGen C1865322, MONDO:0011232, OMIM 602481.

Allele frequency attached by ClinVar (database versions not stated): gnomAD 0.00654 and 0.00728; TOPMed 0.01133; 1000 Genomes Project 0.01857; 1000 Genomes Project 30x 0.01874.
gnomAD v4.1: 7,585 of 1,590,770 alleles (0.48%); highest among the groups gnomAD compares: Admixed American, 6.6%; 199 homozygotes.

Submissions (7):

Genome-Nilou Lab
Classification: Benign for Alternating hemiplegia of childhood 1. Last evaluated: 2021-12-05. Review status: criteria provided, single submitter. Criteria: ACMG Guidelines, 2015. Collection method: clinical testing. Allele origin: germline. Affected: no.

Genome-Nilou Lab
Classification: Benign for Developmental and epileptic encephalopathy 98. Last evaluated: 2021-12-05. Review status: criteria provided, single submitter. Criteria: ACMG Guidelines, 2015. Collection method: clinical testing. Allele origin: germline. Affected: no.

Genome-Nilou Lab
Classification: Benign for Fetal akinesia, respiratory insufficiency, microcephaly, polymicrogyria, and dysmorphic facies. Last evaluated: 2021-12-05. Review status: criteria provided, single submitter. Criteria: ACMG Guidelines, 2015. Collection method: clinical testing. Allele origin: germline. Affected: no.

Genome-Nilou Lab
Classification: Benign for Migraine, familial hemiplegic, 2. Last evaluated: 2021-12-05. Review status: criteria provided, single submitter. Criteria: ACMG Guidelines, 2015. Collection method: clinical testing. Allele origin: germline. Affected: no.

Illumina Laboratory Services, Illumina
Classification: Benign for Alternating hemiplegia of childhood 1. Last evaluated: 2018-01-13. Review status: criteria provided, single submitter. Criteria: ICSL Variant Classification Criteria 13 December 2019. Collection method: clinical testing. Allele origin: germline.
Comment: This variant was observed in the ICSL laboratory as part of a predisposition screen in an ostensibly healthy population. It had not been previously curated by ICSL or reported in the Human Gene Mutation Database (HGMD: prior to June 1st, 2018), and was therefore a candidate for classification through an automated scoring system. Utilizing variant allele frequency, disease prevalence and penetrance estimates, and inheritance mode, an automated score was calculated to assess if this variant is too frequent to cause the disease. Based on the score and internal cut-off values, a variant classified as benign is not then subjected to further curation. The score for this variant resulted in a classification of benign for this disease.

Illumina Laboratory Services, Illumina
Classification: Benign for Migraine, familial hemiplegic, 2. Last evaluated: 2018-01-13. Review status: criteria provided, single submitter. Criteria: ICSL Variant Classification Criteria 13 December 2019. Collection method: clinical testing. Allele origin: germline.
Comment: the same text as in the submission from Illumina Laboratory Services, Illumina above.

Breakthrough Genomics
Classification: Benign. Review status: criteria provided, single submitter. Criteria: ACMG Guidelines, 2015. Collection method: not provided. Allele origin: germline. Inheritance: Autosomal recessive inheritance. Affected: yes.

NM_000702.4(ATP1A2):c.*72G>A

Gene: ATP1A2 (ATPase Na+/K+ transporting subunit alpha 2; plus strand). Cytogenetic location: 1q23.2.
Variant type: single nucleotide variant.
Coding change: c.*72G>A on transcript NM_000702.4 (MANE Select); 72 bases downstream of the stop codon, G replaced by A.
Molecular consequence: 3 prime UTR variant.
Genome position (GRCh38, 1-based): chr1:160,141,394, G>A. VCF-style: chr1-160141394-G-A. GRCh37 (hg19) VCF-style: chr1-160111184-G-A.
Identifiers: ClinVar variation 293137 (VCV000293137.7), dbSNP rs2070701, ClinGen allele CA10608475.